The following is an entry in ClinVar:

NM_006623.4(PHGDH):c.578del (p.Leu193fs)

Gene: PHGDH (phosphoglycerate dehydrogenase; plus strand). Cytogenetic location: 1p12.
Variant type: Deletion.
Coding change: c.578del on transcript NM_006623.4 (MANE Select); coding-DNA position 578, one base deleted (T; older notation c.578delT).
Protein change: p.Leu193fs; shifts the reading frame from leucine 193.
Molecular consequence: frameshift variant.
Genome position (GRCh38, 1-based): chr1:119,734,701, T deleted. VCF-style (leftmost placement, unchanged base first): chr1-119734700-CT-C. GRCh37 (hg19) VCF-style: chr1-120277323-CT-C.
Other names: short protein forms L193fs.
Identifiers: ClinVar variation 2763482 (VCV002763482.3), dbSNP rs2464155152, ClinGen allele CA2697554497.

ClinVar aggregate classification (germline): Pathogenic (1 of 4 stars; one submission).

Conditions:
PHGDH deficiency. Identifiers: Orphanet 79351, MedGen C1866174, MONDO:0011152, OMIM 601815.

Submission:

Labcorp Genetics (formerly Invitae), Labcorp
Classification: Pathogenic for PHGDH deficiency. Last evaluated: 2023-06-03. Review status: criteria provided, single submitter. Criteria: Invitae Variant Classification Sherloc (09022015). Collection method: clinical testing. Allele origin: germline.
Comment: For these reasons, this variant has been classified as Pathogenic. This variant has not been reported in the literature in individuals affected with PHGDH-related conditions. This variant is not present in population databases (gnomAD no frequency). This sequence change creates a premature translational stop signal (p.Leu193Argfs*25) in the PHGDH gene. It is expected to result in an absent or disrupted protein product. Loss-of-function variants in PHGDH are known to be pathogenic (PMID: 14645240, 24836451).

Literature cited by the submitters: PubMed 14645240; PubMed 24836451.